The following is an entry in ClinVar:

ClinVar aggregate classification (germline): Uncertain significance (1 of 4 stars; one submission).

Conditions:
Ullrich congenital muscular dystrophy 2 (UCMD2). Identifiers: Orphanet 75840, MedGen C4225314, MONDO:0014654, OMIM 616470.
Bethlem myopathy 2 (BTHLM2). Identifiers: Orphanet 536516, Orphanet 610, MedGen C4225313, MONDO:0034022, OMIM 616471.

Allele frequency attached by ClinVar (database versions not stated): gnomAD exomes 0.00001.
gnomAD v4.1: 18 of 1,606,764 alleles (0.0011%); highest among the groups gnomAD compares: Non-Finnish European, 0.0014%; no homozygotes.

Submission:

Labcorp Genetics (formerly Invitae), Labcorp
Classification: Uncertain significance for Bethlem myopathy 2; Ullrich congenital muscular dystrophy 2. Last evaluated: 2025-06-24. Review status: criteria provided, single submitter. Criteria: Invitae Variant Classification Sherloc (09022015). Collection method: clinical testing. Allele origin: germline.
Comment: This sequence change replaces proline, which is neutral and non-polar, with leucine, which is neutral and non-polar, at codon 2305 of the COL12A1 protein (p.Pro2305Leu). This variant is not present in population databases (gnomAD no frequency). This variant has not been reported in the literature in individuals affected with COL12A1-related conditions. ClinVar contains an entry for this variant (Variation ID: 949349). Invitae Evidence Modeling of protein sequence and biophysical properties (such as structural, functional, and spatial information, amino acid conservation, physicochemical variation, residue mobility, and thermodynamic stability) indicates that this missense variant is not expected to disrupt COL12A1 protein function with a negative predictive value of 80%. In summary, the available evidence is currently insufficient to determine the role of this variant in disease. Therefore, it has been classified as a Variant of Uncertain Significance.

NM_004370.6(COL12A1):c.6914C>T (p.Pro2305Leu)

Gene: COL12A1 (collagen type XII alpha 1 chain; minus strand). Cytogenetic location: 6q13.
Variant type: single nucleotide variant.
Coding change: c.6914C>T on transcript NM_004370.6 (MANE Select); coding-DNA position 6914, C replaced by T.
Protein change: p.Pro2305Leu; replaces proline 2305 with leucine.
Molecular consequence: missense variant.
Genome position (GRCh38, 1-based): chr6:75,123,362, G>A on the plus strand (C>T on the coding strand, the complement: COL12A1 is on the minus strand). VCF-style: chr6-75123362-G-A. GRCh37 (hg19) VCF-style: chr6-75833078-G-A.
Other names: c.3422C>T, p.Pro1141Leu (NM_080645.3); short protein forms P1141L, P2305L.
Identifiers: ClinVar variation 949349 (VCV000949349.10), dbSNP rs1765844509, ClinGen allele CA364728089.